The following is an entry in ClinVar:

NM_005097.4(LGI1):c.882G>C (p.Gln294His)

Gene: LGI1 (leucine rich glioma inactivated 1; plus strand). Cytogenetic location: 10q23.33.
Variant type: single nucleotide variant.
Coding change: c.882G>C on transcript NM_005097.4 (MANE Select); coding-DNA position 882, G replaced by C.
Protein change: p.Gln294His; replaces glutamine 294 with histidine.
Molecular consequence: missense variant. On other transcripts: non-coding transcript variant (1), intron variant (1).
Genome position (GRCh38, 1-based): chr10:93,797,011, G>C. VCF-style: chr10-93797011-G-C. GRCh37 (hg19) VCF-style: chr10-95556768-G-C.
Other names: c.738G>C, p.Gln246His (NM_001308276.2); c.839-738G>C (NM_001308275.2); short protein forms Q294H, Q246H.
Identifiers: ClinVar variation 2758123 (VCV002758123.3), dbSNP rs1554907709, ClinGen allele CA377626313.

ClinVar aggregate classification (germline): Uncertain significance (1 of 4 stars; one submission).

Conditions:
Autosomal dominant epilepsy with auditory features. Identifiers: Orphanet 101046, MedGen C1838062, MONDO:0010898.

Submission:

Labcorp Genetics (formerly Invitae), Labcorp
Classification: Uncertain significance for Autosomal dominant epilepsy with auditory features. Last evaluated: 2023-09-05. Review status: criteria provided, single submitter. Criteria: Invitae Variant Classification Sherloc (09022015). Collection method: clinical testing. Allele origin: germline.
Comment: In summary, the available evidence is currently insufficient to determine the role of this variant in disease. Therefore, it has been classified as a Variant of Uncertain Significance. Advanced modeling of protein sequence and biophysical properties (such as structural, functional, and spatial information, amino acid conservation, physicochemical variation, residue mobility, and thermodynamic stability) performed at Invitae indicates that this missense variant is not expected to disrupt LGI1 protein function. This variant has not been reported in the literature in individuals affected with LGI1-related conditions. This variant is not present in population databases (gnomAD no frequency). This sequence change replaces glutamine, which is neutral and polar, with histidine, which is basic and polar, at codon 294 of the LGI1 protein (p.Gln294His).